The following is an entry in ClinVar:

ClinVar aggregate classification (germline): Pathogenic (1 of 4 stars; one submission).

Conditions:
Neuropathy, hereditary sensory and autonomic, type 2A (HSAN2A). Also called: HSAN IIA; MORVAN DISEASE; NEUROPATHY, CONGENITAL SENSORY; NEUROPATHY, HEREDITARY SENSORY RADICULAR, AUTOSOMAL RECESSIVE; NEUROPATHY, HEREDITARY SENSORY, TYPE IIA; NEUROPATHY, PROGRESSIVE SENSORY, OF CHILDREN. Identifiers: Orphanet 970, MedGen C2752089, MONDO:0024309, OMIM 201300.
Generalized epilepsy with febrile seizures plus, type 7 (GEFSP7). Also called: GEFS+, TYPE 7. Identifiers: Orphanet 36387, MedGen C2751778, MONDO:0013470, OMIM 613863.

Submission:

Labcorp Genetics (formerly Invitae), Labcorp
Classification: Pathogenic for Neuropathy, hereditary sensory and autonomic, type 2A; Generalized epilepsy with febrile seizures plus, type 7. Last evaluated: 2024-05-15. Review status: criteria provided, single submitter. Criteria: Invitae Variant Classification Sherloc (09022015). Collection method: clinical testing. Allele origin: germline.
Comment: This sequence change replaces glycine, which is neutral and non-polar, with arginine, which is basic and polar, at codon 856 of the SCN9A protein (p.Gly856Arg). This variant is not present in population databases (gnomAD no frequency). This missense change has been observed in individual(s) with clinical features of familial episodic pain syndrome (PMID: 28381558; Invitae). In at least one individual the variant was observed to be de novo. ClinVar contains an entry for this variant (Variation ID: 1024965). Advanced modeling of protein sequence and biophysical properties (such as structural, functional, and spatial information, amino acid conservation, physicochemical variation, residue mobility, and thermodynamic stability) performed at Invitae indicates that this missense variant is not expected to disrupt SCN9A protein function with a negative predictive value of 95%. Experimental studies have shown that this missense change affects SCN9A function (PMID: 28381558). This variant disrupts the p.Gly856 amino acid residue in SCN9A. Other variant(s) that disrupt this residue have been observed in individuals with SCN9A-related conditions (PMID: 22286749), which suggests that this may be a clinically significant amino acid residue. For these reasons, this variant has been classified as Pathogenic.

Literature cited by the submitters: PubMed 28381558; PubMed 22286749.

NM_001365536.1(SCN9A):c.2599G>C (p.Gly867Arg)

Genes: SCN9A (sodium voltage-gated channel alpha subunit 9; minus strand), SCN1A-AS1 (SCN1A and SCN9A antisense RNA 1; plus strand). Cytogenetic location: 2q24.3.
Variant type: single nucleotide variant.
Coding change: c.2599G>C on transcript NM_001365536.1 (MANE Select); coding-DNA position 2599, G replaced by C.
Protein change: p.Gly867Arg; replaces glycine 867 with arginine.
Molecular consequence: missense variant.
Genome position (GRCh38, 1-based): chr2:166,277,258, C>G on the plus strand (G>C on the coding strand, the complement: SCN9A is on the minus strand). VCF-style: chr2-166277258-C-G. GRCh37 (hg19) VCF-style: chr2-167133768-C-G.
Other names: c.2566G>C, p.Gly856Arg (NM_002977.4); short protein forms G856R, G867R.
Identifiers: ClinVar variation 1024965 (VCV001024965.9), dbSNP rs1697277352, ClinGen allele CA349077986.